The following is an entry in ClinVar:

ClinVar aggregate classification (germline): Benign/Likely benign. Review status: criteria provided, multiple submitters, no conflicts (2 of 4 stars). 6 submissions from 6 submitters: Benign (1); Likely benign (5). Last evaluated 2026-04-01.

Conditions:
Developmental and epileptic encephalopathy, 42 (DEE42A). Also called: Epileptic encephalopathy, early infantile, 42; DEVELOPMENTAL AND EPILEPTIC ENCEPHALOPATHY 42A; EPILEPTIC ENCEPHALOPATHY, EARLY INFANTILE, 42A. Identifiers: MedGen C4310716, MONDO:0014917, OMIM 617106.
Episodic ataxia type 2 (EA2). Also called: ACETAZOLAMIDE-RESPONSIVE HEREDITARY PAROXYSMAL CEREBELLAR ATAXIA; ATAXIA, EPISODIC, WITH NYSTAGMUS; ATAXIA, FAMILIAL PAROXYSMAL; CEREBELLAR ATAXIA, PAROXYSMAL, ACETAZOLAMIDE-RESPONSIVE; CEREBELLOPATHY, HEREDITARY PAROXYSMAL; EPISODIC ATAXIA, NYSTAGMUS-ASSOCIATED. Identifiers: Orphanet 97, MedGen C1720416, MONDO:0007163, OMIM 108500.
Inborn genetic diseases. Identifiers: MedGen C0950123, MeSH D030342.

Allele frequency attached by ClinVar (database versions not stated): TOPMed 0.00011; gnomAD 0.00013 and 0.00014; gnomAD exomes 0.00010 and 0.00013; ExAC 0.00044.
gnomAD v4.1: 144 of 1,389,774 alleles (0.01%); highest among the groups gnomAD compares: Non-Finnish European, 0.012%; no homozygotes.

Submissions (6):

CeGaT Center for Human Genetics Tuebingen
Classification: Likely benign. Last evaluated: 2026-04-01. Review status: criteria provided, single submitter. Criteria: CeGaT Center For Human Genetics Tuebingen Variant Classification Criteria Version 2. Collection method: clinical testing. Allele origin: germline. Affected: yes. Observed: 10 variant alleles.
Comment: CACNA1A: BP4, BP7

Labcorp Genetics (formerly Invitae), Labcorp
Classification: Likely benign for Developmental and epileptic encephalopathy, 42; Episodic ataxia type 2. Last evaluated: 2025-10-23. Review status: criteria provided, single submitter. Criteria: Invitae Variant Classification Sherloc (09022015). Collection method: clinical testing. Allele origin: germline.

Blueprint Genetics
Classification: Likely benign. Last evaluated: 2024-11-25. Review status: criteria provided, single submitter. Criteria: ACMG Guidelines, 2015. Collection method: clinical testing. Allele origin: germline.

GeneDx
Classification: Likely benign. Last evaluated: 2020-12-14. Review status: criteria provided, single submitter. Criteria: GeneDx Variant Classification Process June 2021. Collection method: clinical testing. Allele origin: germline. Affected: yes.

Ambry Genetics
Classification: Likely benign for Inborn genetic diseases. Last evaluated: 2019-03-14. Review status: criteria provided, single submitter. Criteria: Ambry Variant Classification Scheme 2023. Collection method: clinical testing. Allele origin: germline.

Athena Diagnostics
Classification: Benign. Last evaluated: 2017-04-28. Review status: criteria provided, single submitter. Criteria: Athena Diagnostics Criteria. Collection method: clinical testing. Allele origin: germline.

NM_001127222.2(CACNA1A):c.6483C>T (p.Arg2161=)

Gene: CACNA1A (calcium voltage-gated channel subunit alpha1 A; minus strand). Cytogenetic location: 19p13.13.
Variant type: single nucleotide variant.
Coding change: c.6483C>T on transcript NM_001127222.2 (MANE Select); coding-DNA position 6483, C replaced by T.
Protein change: p.Arg2161=; no amino-acid change (arginine 2161 retained).
Molecular consequence: synonymous variant.
Genome position (GRCh38, 1-based): chr19:13,209,355, G>A on the plus strand (C>T on the coding strand, the complement: CACNA1A is on the minus strand). VCF-style: chr19-13209355-G-A. GRCh37 (hg19) VCF-style: chr19-13320169-G-A.
Other names: c.6501C>T, p.Arg2167= (NM_000068.4, NM_023035.3); c.6486C>T, p.Arg2162= (NM_001127221.2); c.6492C>T, p.Arg2164= (NM_001174080.2).
Identifiers: ClinVar variation 446941 (VCV000446941.54), dbSNP rs745609731, ClinGen allele CA9239347.